The following is an entry in ClinVar:

NM_001353108.3(CEP63):c.1692C>T (p.His564=)

Gene: CEP63 (centrosomal protein 63; plus strand). Cytogenetic location: 3q22.2.
Variant type: single nucleotide variant.
Coding change: c.1692C>T on transcript NM_001353108.3 (MANE Select); coding-DNA position 1692, C replaced by T.
Protein change: p.His564=; no amino-acid change (histidine 564 retained).
Molecular consequence: synonymous variant. On other transcripts: non-coding transcript variant (3), intron variant (17).
Genome position (GRCh38, 1-based): chr3:134,559,168, C>T. VCF-style: chr3-134559168-C-T. GRCh37 (hg19) VCF-style: chr3-134278010-C-T.
Other names: c.1692C>T (NM_025180.3); c.1554C>T, p.His518= (NM_001353109.1); c.1692C>T, p.His564= (NM_025180.5); c.1467+7156C>T (NM_001353113.1, NM_001353117.2); c.1329+7156C>T (NM_001042384.2, NM_001353124.2, NM_001353123.2); c.1330-2209C>T (NM_001353122.1, NM_001042383.2, NM_001353121.2 and 2 more transcripts); c.1468-2209C>T (NM_001353110.1, NM_001353112.2, NM_001353111.2 and 1 more transcripts); c.1357-2209C>T (NM_001353118.1); and 2 more.
Identifiers: ClinVar variation 2981125 (VCV002981125.5), dbSNP rs751130023, ClinGen allele CA2628765.

ClinVar aggregate classification (germline): Likely benign. Review status: criteria provided, single submitter (1 of 4 stars). 2 submissions from 2 submitters: Likely benign (1). 1 of the submissions does not count toward it. Last evaluated 2023-03-04.

Conditions:
CEP63-related disorder. Also called: CEP63-related condition.

Allele frequency attached by ClinVar (database versions not stated): TOPMed below 0.00001; gnomAD 0.00001; gnomAD exomes 0.00002; ExAC 0.00003; 1000 Genomes Project 30x 0.00016.
gnomAD v4.1: 31 of 1,614,100 alleles (0.0019%); highest among the groups gnomAD compares: Middle Eastern, 0.033%; no homozygotes.

Submissions (2):

Labcorp Genetics (formerly Invitae), Labcorp
Classification: Likely benign. Last evaluated: 2023-03-04. Review status: criteria provided, single submitter. Criteria: Invitae Variant Classification Sherloc (09022015). Collection method: clinical testing. Allele origin: germline.

PreventionGenetics, part of Exact Sciences
Classification: Likely benign for CEP63-related condition. Last evaluated: 2019-04-12. Review status: no assertion criteria provided. Collection method: clinical testing. Allele origin: germline. Not counted in ClinVar's aggregate classification.
Comment: This variant is classified as likely benign based on ACMG/AMP sequence variant interpretation guidelines (Richards et al. 2015 PMID: 25741868, with internal and published modifications).